The following is an entry in ClinVar:

NM_001369.3(DNAH5):c.7887+1G>A

Gene: DNAH5 (dynein axonemal heavy chain 5; minus strand). Cytogenetic location: 5p15.2.
Variant type: single nucleotide variant.
Coding change: c.7887+1G>A on transcript NM_001369.3 (MANE Select); the canonical splice donor site of the intron after coding-DNA position 7887, G replaced by A.
Molecular consequence: splice donor variant.
Genome position (GRCh38, 1-based): chr5:13,807,590, C>T on the plus strand (G>A on the coding strand, the complement: DNAH5 is on the minus strand). VCF-style: chr5-13807590-C-T. GRCh37 (hg19) VCF-style: chr5-13807699-C-T.
Identifiers: ClinVar variation 4823943 (VCV004823943.1).

ClinVar aggregate classification (germline): Uncertain significance (1 of 4 stars; one submission).

Conditions:
Primary ciliary dyskinesia 3. Identifiers: Orphanet 244, MedGen C1837618, MONDO:0012085, OMIM 608644.

Submission:

Clinical Genetics Laboratory, Skane University Hospital Lund
Classification: Uncertain significance for Primary ciliary dyskinesia 3. Last evaluated: 2026-04-24. Review status: criteria provided, single submitter. Criteria: ACMG Guidelines, 2015. Collection method: clinical testing. Allele origin: germline. Affected: yes.
Comment: DNAH5 (NM_001369.3) c.7887+1G>A, p.? represents a nucleotide substitution in intron 47 of 78, predicted to cause altered splicing of exon 47 of 79, resulting in a preserved reading frame but a shortened protein. DNAH5 c.7887+1G>A has not been detected in the general population and has not previously been reported in ClinVar. The variant has been classified as a VUS based on the following ACMG criteria: PVS1_Moderate, PM2.